The following is an entry in ClinVar:

ClinVar aggregate classification (germline): Pathogenic (1 of 4 stars; one submission).

Conditions:
Cardiovascular phenotype. Identifiers: MedGen CN230736.

Submission:

Ambry Genetics
Classification: Pathogenic for Cardiovascular phenotype. Last evaluated: 2023-01-20. Review status: criteria provided, single submitter. Criteria: Ambry Variant Classification Scheme 2023. Collection method: clinical testing. Allele origin: germline.
Comment: The c.2079_2085delCCCAGCC pathogenic mutation, located in coding exon 22 of the MYBPC3 gene, results from a deletion of 7 nucleotides at nucleotide positions 2079 to 2085, causing a translational frameshift with a predicted alternate stop codon (p.P694Gfs*58). This variant is considered to be rare based on population cohorts in the Genome Aggregation Database (gnomAD). This alteration is expected to result in loss of function by premature protein truncation or nonsense-mediated mRNA decay. As such, this alteration is interpreted as a disease-causing mutation.

NM_000256.3(MYBPC3):c.2079_2085del (p.Pro694fs)

Gene: MYBPC3 (myosin binding protein C3; minus strand). Cytogenetic location: 11p11.2.
Variant type: Deletion.
Coding change: c.2079_2085del on transcript NM_000256.3 (MANE Select); coding-DNA positions 2079 to 2085, 7 bases deleted (CCCAGCC; older notation c.2079_2085delCCCAGCC).
Protein change: p.Pro694fs; shifts the reading frame from proline 694.
Molecular consequence: frameshift variant.
Genome position (GRCh38, 1-based): chr11:47,339,387-47,339,393, GGCTGGG deleted on the plus strand (CCCAGCC on the coding strand, the reverse complement: MYBPC3 is on the minus strand); deleting any 7 consecutive bases within chr11:47,339,387-47,339,394 gives the same sequence; the c. name uses the placement nearest the transcript's 3' end. VCF-style (leftmost placement, unchanged base first): chr11-47339386-TGGCTGGG-T. GRCh37 (hg19) VCF-style: chr11-47360937-TGGCTGGG-T.
Other names: c.2079_2085delCCCAGCC (NM_000256.3); short protein forms P694fs.
Identifiers: ClinVar variation 2448103 (VCV002448103.2), dbSNP rs2495754785, ClinGen allele CA2580084182.